The following is an entry in ClinVar:

ClinVar aggregate classification (germline): Pathogenic (1 of 4 stars; one submission).

Conditions:
Familial cancer of breast. Also called: Hereditary breast cancer; BREAST CANCER, FAMILIAL; hereditary breast carcinoma. Identifiers: Orphanet 227535, MedGen C0346153, MONDO:0016419, OMIM 114480. Disease mechanism: loss of function.

Submission:

Myriad Genetics, Inc.
Classification: Pathogenic for Familial cancer of breast. Last evaluated: 2023-06-01. Review status: criteria provided, single submitter. Criteria: Myriad Autosomal Dominant, Autosomal Recessive and X-Linked Classification Criteria (2023). Collection method: clinical testing. Allele origin: unknown.
Comment: This variant is considered pathogenic. This variant creates a frameshift predicted to result in premature protein truncation.

NM_032043.3(BRIP1):c.1158dup (p.Glu387fs)

Gene: BRIP1 (BRCA1 interacting DNA helicase 1; minus strand). Cytogenetic location: 17q23.2.
Variant type: Duplication.
Coding change: c.1158dup on transcript NM_032043.3 (MANE Select); coding-DNA position 1158, one base duplicated (A; older notation c.1158dupA).
Protein change: p.Glu387fs; shifts the reading frame from glutamic acid 387.
Molecular consequence: frameshift variant.
Genome position (GRCh38, 1-based): chr17:61,799,282, T duplicated on the plus strand (A on the coding strand, the reverse complement: BRIP1 is on the minus strand); the first of 3 consecutive T bases (chr17:61,799,282-61,799,284); duplicating any one gives the same sequence. VCF-style (leftmost placement, unchanged base first): chr17-61799281-C-CT. GRCh37 (hg19) VCF-style: chr17-59876642-C-CT.
Other names: short protein forms E387fs.
Identifiers: ClinVar variation 2583416 (VCV002583416.2), dbSNP rs2145309797, ClinGen allele CA2582342237.